The following is an entry in ClinVar:

ClinVar aggregate classification (germline): Uncertain significance (1 of 4 stars; one submission).

Conditions:
Cardiomyopathy (CMYO). Also called: Cardiomyopathies. Identifiers: Orphanet 167848, MedGen C0878544, MONDO:0004994, HP:0001638. Inheritance: Various modes of inheritance.

Submission:

Petrovsky National Research Centre of Surgery, The Federal Agency for Scientific Organizations
Classification: Uncertain significance for Cardiomyopathy. Last evaluated: 2025-11-18. Review status: criteria provided, single submitter. Criteria: ACMG Guidelines, 2015. Collection method: clinical testing. Allele origin: germline. Affected: yes. Observed: 1 variant allele.
Comment: The variant is absent from The Genome Aggregation Database (gnomAD v4.1.0). In accordance with ACMG (2015) criteria, this variant is classified as Variant of Uncertain Significance (Class III) with the following criteria applied: PM2_moderate, PP3_supporting.

NM_001079843.3(CASZ1):c.3783G>T (p.Trp1261Cys)

Gene: CASZ1 (castor zinc finger 1; minus strand). Cytogenetic location: 1p36.22.
Variant type: single nucleotide variant.
Coding change: c.3783G>T on transcript NM_001079843.3 (MANE Select); coding-DNA position 3783, G replaced by T.
Protein change: p.Trp1261Cys; replaces tryptophan 1261 with cysteine.
Molecular consequence: missense variant.
Genome position (GRCh38, 1-based): chr1:10,645,002, C>A on the plus strand (G>T on the coding strand, the complement: CASZ1 is on the minus strand). VCF-style: chr1-10645002-C-A. GRCh37 (hg19) VCF-style: chr1-10705059-C-A.
Other names: short protein forms W1261C.
Identifiers: ClinVar variation 4530677 (VCV004530677.1).